The following is an entry in ClinVar:

NM_001113378.2(FANCI):c.2878C>T (p.Arg960Trp)

Gene: FANCI (FA complementation group I; plus strand). Cytogenetic location: 15q26.1.
Variant type: single nucleotide variant.
Coding change: c.2878C>T on transcript NM_001113378.2 (MANE Select); coding-DNA position 2878, C replaced by T.
Protein change: p.Arg960Trp; replaces arginine 960 with tryptophan.
Molecular consequence: missense variant.
Genome position (GRCh38, 1-based): chr15:89,300,374, C>T. VCF-style: chr15-89300374-C-T. GRCh37 (hg19) VCF-style: chr15-89843605-C-T.
Other names: c.2599C>T, p.Arg867Trp (NM_001376910.1); c.2878C>T, p.Arg960Trp (NM_001376911.1); c.2698C>T, p.Arg900Trp (NM_018193.3); short protein forms R867W, R900W, R960W.
Identifiers: ClinVar variation 885754 (VCV000885754.10), dbSNP rs562503186, ClinGen allele CA7723492.
Genomic context (GRCh38, chr15:89,300,374, plus strand): 5'-GAAGGAGAAGAGAGAGAAGATGCAGATGTCAGTGTCACTCAGAGAACAGCATTCCAGATC[C>T]GGCAATTTCAGGTGAGAAGCCTTGCAAAGCTGCTGTACTGGCCTGAGAGGCTTTGCAAAG-3'
Protein context (NP_001106849.1, residues 950-970): SVTQRTAFQI[Arg960Trp]QFQRSLLNLL

ClinVar aggregate classification (germline): Uncertain significance. Review status: criteria provided, multiple submitters, no conflicts (2 of 4 stars). 3 submissions from 3 submitters: Uncertain significance (3). Last evaluated 2022-03-29.

Conditions:
Fanconi anemia (FA). Also called: Fanconi's anemia. Identifiers: Orphanet 84, MedGen C0015625, MeSH D005199, MONDO:0019391.
Fanconi anemia complementation group I (FANCI). Also called: FANCI-Related Fanconi Anemia. Identifiers: Orphanet 84, MedGen C1836861, MONDO:0012186, OMIM 609053.

Allele frequency attached by ClinVar (database versions not stated): gnomAD 0.00002 and 0.00003; ExAC 0.00003; gnomAD exomes 0.00003 and 0.00004; TOPMed 0.00003; 1000 Genomes Project 0.00020; 1000 Genomes Project 30x 0.00031.
gnomAD v4.1: 50 of 1,613,670 alleles (0.0031%); highest among the groups gnomAD compares: South Asian, 0.019%; 1 homozygote.

Submissions (3):

Fulgent Genetics
Classification: Uncertain significance for Fanconi anemia complementation group I. Last evaluated: 2022-03-29. Review status: criteria provided, single submitter. Criteria: ACMG Guidelines, 2015. Collection method: clinical testing. Allele origin: unknown.

Labcorp Genetics (formerly Invitae), Labcorp
Classification: Uncertain significance for Fanconi anemia. Last evaluated: 2022-02-24. Review status: criteria provided, single submitter. Criteria: Invitae Variant Classification Sherloc (09022015). Collection method: clinical testing. Allele origin: germline.
Comment: This sequence change replaces arginine, which is basic and polar, with tryptophan, which is neutral and slightly polar, at codon 960 of the FANCI protein (p.Arg960Trp). This variant is present in population databases (rs562503186, gnomAD 0.01%), including at least one homozygous and/or hemizygous individual. This variant has not been reported in the literature in individuals affected with FANCI-related conditions. ClinVar contains an entry for this variant (Variation ID: 885754). Algorithms developed to predict the effect of missense changes on protein structure and function are either unavailable or do not agree on the potential impact of this missense change (SIFT: "Deleterious"; PolyPhen-2: "Probably Damaging"; Align-GVGD: "Class C0"). In summary, the available evidence is currently insufficient to determine the role of this variant in disease. Therefore, it has been classified as a Variant of Uncertain Significance.

Illumina Laboratory Services, Illumina
Classification: Uncertain significance for Fanconi anemia complementation group I. Last evaluated: 2018-01-12. Review status: criteria provided, single submitter. Criteria: ICSL Variant Classification Criteria 13 December 2019. Collection method: clinical testing. Allele origin: germline.